The following is an entry in ClinVar:

NM_001130009.3(GEN1):c.1702A>G (p.Ser568Gly)

Gene: GEN1 (GEN1 Holliday junction 5' flap endonuclease; plus strand). Cytogenetic location: 2p24.2.
Variant type: single nucleotide variant.
Coding change: c.1702A>G on transcript NM_001130009.3 (MANE Select); coding-DNA position 1702, A replaced by G.
Protein change: p.Ser568Gly; replaces serine 568 with glycine.
Molecular consequence: missense variant.
Genome position (GRCh38, 1-based): chr2:17,780,914, A>G. VCF-style: chr2-17780914-A-G. GRCh37 (hg19) VCF-style: chr2-17962181-A-G.
Other names: c.1702A>G, p.Ser568Gly (NM_182625.5); short protein forms S568G.
Identifiers: ClinVar variation 4029282 (VCV004029282.1).

ClinVar aggregate classification (germline): Uncertain significance (1 of 4 stars; one submission).

Submission:

Ambry Genetics
Classification: Uncertain significance. Last evaluated: 2025-05-08. Review status: criteria provided, single submitter. Criteria: Ambry Variant Classification Scheme 2023. Collection method: clinical testing. Allele origin: germline.
Comment: The p.S568G variant (also known as c.1702A>G), located in coding exon 13 of the GEN1 gene, results from an A to G substitution at nucleotide position 1702. The serine at codon 568 is replaced by glycine, an amino acid with similar properties. This amino acid position is conserved. In addition, this alteration is predicted to be tolerated by in silico analysis. Based on the available evidence, the clinical significance of this variant remains unclear.